The following is an entry in ClinVar:

ClinVar aggregate classification (germline): Uncertain significance. Review status: criteria provided, multiple submitters, no conflicts (2 of 4 stars). 2 submissions from 2 submitters: Uncertain significance (2). Last evaluated 2025-01-28.

Conditions:
Inborn genetic diseases. Identifiers: MedGen C0950123, MeSH D030342.

Allele frequency attached by ClinVar (database versions not stated): gnomAD exomes 0.00006.

Submissions (2):

Ambry Genetics
Classification: Uncertain significance for Inborn genetic diseases. Last evaluated: 2025-01-28. Review status: criteria provided, single submitter. Criteria: Ambry Variant Classification Scheme 2023. Collection method: clinical testing. Allele origin: germline.

Greenwood Genetic Center Diagnostic Laboratories, Greenwood Genetic Center
Classification: Uncertain significance. Last evaluated: 2021-08-06. Review status: criteria provided, single submitter. Criteria: ACMG Guidelines, 2015. Collection method: clinical testing. Allele origin: germline. Affected: yes.
Comment: BP4, PM2

NM_005883.3(APC2):c.6319G>T (p.Val2107Leu)

Gene: APC2 (APC regulator of WNT signaling pathway 2; plus strand). Cytogenetic location: 19p13.3.
Variant type: single nucleotide variant.
Coding change: c.6319G>T on transcript NM_005883.3 (MANE Select); coding-DNA position 6319, G replaced by T.
Protein change: p.Val2107Leu; replaces valine 2107 with leucine.
Molecular consequence: missense variant.
Genome position (GRCh38, 1-based): chr19:1,469,620, G>T. VCF-style: chr19-1469620-G-T. GRCh37 (hg19) VCF-style: chr19-1469619-G-T.
Other names: c.6316G>T, p.Val2106Leu (NM_001351273.1); short protein forms V2106L, V2107L.
Identifiers: ClinVar variation 1334553 (VCV001334553.5), dbSNP rs1042889264, ClinGen allele CA304082240.